The following is an entry in ClinVar:

NM_001367624.2(ZNF469):c.11714C>A (p.Pro3905His)

Gene: ZNF469 (zinc finger protein 469; plus strand). Cytogenetic location: 16q24.2.
Variant type: single nucleotide variant.
Coding change: c.11714C>A on transcript NM_001367624.2 (MANE Select); coding-DNA position 11714, C replaced by A.
Protein change: p.Pro3905His; replaces proline 3905 with histidine.
Molecular consequence: missense variant.
Genome position (GRCh38, 1-based): chr16:88,439,184, C>A. VCF-style: chr16-88439184-C-A. GRCh37 (hg19) VCF-style: chr16-88505592-C-A.
Other names: short protein forms P3905H.
Identifiers: ClinVar variation 1711417 (VCV001711417.30), dbSNP rs529322092, ClinGen allele CA397131055.

ClinVar aggregate classification (germline): Benign (1 of 4 stars; one submission).

gnomAD v4.1: 4 of 1,550,448 alleles (0.00026%); highest among the groups gnomAD compares: Non-Finnish European, 0.00035%; no homozygotes.

Submission:

CeGaT Center for Human Genetics Tuebingen
Classification: Benign. Last evaluated: 2022-08-01. Review status: criteria provided, single submitter. Criteria: CeGaT Center For Human Genetics Tuebingen Variant Classification Criteria Version 2. Collection method: clinical testing. Allele origin: germline. Affected: yes. Observed: 1 variant allele.
Comment: ZNF469: BS3:Supporting, BS1, BS2